The following is an entry in ClinVar:

NM_012464.5(TLL1):c.1841_1846+3dup

Gene: TLL1 (tolloid like 1; plus strand). Cytogenetic location: 4q32.3.
Variant type: Duplication.
Coding change: c.1841_1846+3dup on transcript NM_012464.5 (MANE Select); coding-DNA position 1841 through 3 bases into the intron after coding-DNA position 1846, 9 bases duplicated (GTGAAGGTA; older notation c.1841_1846+3dupGTGAAGGTA).
Molecular consequence: splice donor variant.
Genome position (GRCh38, 1-based): chr4:166,057,304-166,057,312, GTGAAGGTA duplicated. VCF-style (leftmost placement, unchanged base first): chr4-166057303-T-TGTGAAGGTA. GRCh37 (hg19) VCF-style: chr4-166978455-T-TGTGAAGGTA.
Identifiers: ClinVar variation 2634896 (VCV002634896.1), dbSNP rs777454988, ClinGen allele CA3131022.

ClinVar aggregate classification (germline): Uncertain significance (1 of 4 stars; one submission).

Conditions:
TLL1-related disorder. Also called: TLL1-related condition.

Allele frequency attached by ClinVar (database versions not stated): ExAC 0.00001; gnomAD 0.00001; gnomAD exomes 0.00002; TOPMed 0.00002.

Submission:

PreventionGenetics, part of Exact Sciences
Classification: Uncertain significance for TLL1-related condition. Last evaluated: 2023-04-17. Review status: criteria provided, single submitter. Criteria: ACMG Guidelines, 2015. Collection method: clinical testing. Allele origin: germline.
Comment: The TLL1 c.1841_1846+3dup9 variant is predicted to result in a duplication affecting a canonical splice site. This duplication overlaps the exon-intron boundary and is predicted to weaken the canonical site and create a new splice site in the intron resulting in a three amino acid insertion (Alamut Visual Plus v1.6.1). However, the use of computer prediction programs is not equivalent to functional evidence and the consequence on splicing is unknown. To our knowledge, this variant has not been reported in the literature. This variant is reported in 0.0023% of alleles in individuals of European (Non-Finnish) descent in gnomAD. At this time, the clinical significance of this variant is uncertain due to the absence of conclusive functional and genetic evidence.